The following is an entry in ClinVar:

NM_001370259.2(MEN1):c.198C>T (p.Ser66=)

Gene: MEN1 (menin 1; minus strand). Cytogenetic location: 11q13.1.
Variant type: single nucleotide variant.
Coding change: c.198C>T on transcript NM_001370259.2 (MANE Select); coding-DNA position 198, C replaced by T.
Protein change: p.Ser66=; no amino-acid change (serine 66 retained).
Molecular consequence: synonymous variant.
Genome position (GRCh38, 1-based): chr11:64,809,912, G>A on the plus strand (C>T on the coding strand, the complement: MEN1 is on the minus strand). VCF-style: chr11-64809912-G-A. GRCh37 (hg19) VCF-style: chr11-64577384-G-A.
Other names: c.198C>T, p.Ser66= (NM_001370263.2, NM_130799.3, NM_130800.3 and 9 more transcripts).
Identifiers: ClinVar variation 1089886 (VCV001089886.12), dbSNP rs2136189969, ClinGen allele CA475163857.

ClinVar aggregate classification (germline): Benign/Likely benign. Review status: criteria provided, multiple submitters, no conflicts (2 of 4 stars). 3 submissions from 3 submitters: Benign (1); Likely benign (2). Last evaluated 2024-10-31.

Conditions:
Multiple endocrine neoplasia, type 1 (MEN1). Also called: MEN I; WERMER SYNDROME; Endocrine adenomatosis multiple; MEN 1; MEA I. Identifiers: Orphanet 652, MedGen C0025267, MeSH D018761, MONDO:0007540, OMIM 131100.
Hereditary cancer-predisposing syndrome. Also called: Tumor predisposition; Neoplastic Syndromes, Hereditary; Hereditary Cancer Syndrome; Hereditary neoplastic syndrome. Identifiers: Orphanet 140162, MedGen C0027672, MeSH D009386, MONDO:0015356.

Allele frequency attached by ClinVar (database versions not stated): gnomAD exomes below 0.00001.

Submissions (3):

Myriad Genetics, Inc.
Classification: Benign for Multiple endocrine neoplasia, type 1. Last evaluated: 2024-10-31. Review status: criteria provided, single submitter. Criteria: Myriad Autosomal Dominant, Autosomal Recessive and X-Linked Classification Criteria (2023). Collection method: clinical testing. Allele origin: unknown.
Comment: This variant is considered benign. This variant is a silent/synonymous amino acid change and it is not expected to impact splicing.

Labcorp Genetics (formerly Invitae), Labcorp
Classification: Likely benign for Multiple endocrine neoplasia, type 1. Last evaluated: 2022-12-12. Review status: criteria provided, single submitter. Criteria: Invitae Variant Classification Sherloc (09022015). Collection method: clinical testing. Allele origin: germline.

Ambry Genetics
Classification: Likely benign for Hereditary cancer-predisposing syndrome. Last evaluated: 2020-07-23. Review status: criteria provided, single submitter. Criteria: Ambry Variant Classification Scheme 2023. Collection method: clinical testing. Allele origin: germline.